The following is an entry in ClinVar:

NM_000718.4(CACNA1B):c.6304C>T (p.Arg2102Ter)

Gene: CACNA1B (calcium voltage-gated channel subunit alpha1 B; plus strand). Cytogenetic location: 9q34.3.
Variant type: single nucleotide variant.
Coding change: c.6304C>T on transcript NM_000718.4 (MANE Select); coding-DNA position 6304, C replaced by T.
Protein change: p.Arg2102Ter; replaces arginine 2102 with a stop codon.
Molecular consequence: nonsense.
Genome position (GRCh38, 1-based): chr9:138,120,696, C>T. VCF-style: chr9-138120696-C-T. GRCh37 (hg19) VCF-style: chr9-141015148-C-T.
Other names: c.6304C>T, p.Arg2102Ter (NM_001243812.2); short protein forms R2102*.
Identifiers: ClinVar variation 1910522 (VCV001910522.6), dbSNP rs1175879532, ClinGen allele CA375822875.

ClinVar aggregate classification (germline): Pathogenic/Likely pathogenic. Review status: criteria provided, multiple submitters, no conflicts (2 of 4 stars). 2 submissions from 2 submitters: Pathogenic (1); Likely pathogenic (1). Last evaluated 2023-12-27.

Conditions:
CACNA1B-related disorder. Also called: CACNA1B-related condition.

Allele frequency attached by ClinVar (database versions not stated): gnomAD exomes below 0.00001; TOPMed below 0.00001.
gnomAD v4.1: 5 of 1,517,722 alleles (0.00033%); highest among the groups gnomAD compares: Non-Finnish European, 0.00044%; no homozygotes.

Submissions (2):

Blueprint Genetics
Classification: Likely pathogenic for CACNA1B-related disorders. Last evaluated: 2023-12-27. Review status: criteria provided, single submitter. Criteria: ACMG Guidelines, 2015. Collection method: clinical testing. Allele origin: germline. Affected: yes. Observed: 2 variant alleles.

Labcorp Genetics (formerly Invitae), Labcorp
Classification: Pathogenic. Last evaluated: 2022-05-14. Review status: criteria provided, single submitter. Criteria: Invitae Variant Classification Sherloc (09022015). Collection method: clinical testing. Allele origin: germline.
Comment: For these reasons, this variant has been classified as Pathogenic. This sequence change creates a premature translational stop signal (p.Arg2102*) in the CACNA1B gene. It is expected to result in an absent or disrupted protein product. Loss-of-function variants in CACNA1B are known to be pathogenic (PMID: 30982612). The frequency data for this variant in the population databases is considered unreliable, as metrics indicate poor data quality at this position in the gnomAD database. This variant has not been reported in the literature in individuals affected with CACNA1B-related conditions.

Literature cited by the submitters: PubMed 30982612 (cited by Labcorp Genetics (formerly Invitae), Labcorp).